The following is an entry in ClinVar:

ClinVar aggregate classification (germline): Uncertain significance (1 of 4 stars; one submission).

Submission:

Labcorp Genetics (formerly Invitae), Labcorp
Classification: Uncertain significance. Last evaluated: 2021-10-14. Review status: criteria provided, single submitter. Criteria: Invitae Variant Classification Sherloc (09022015). Collection method: clinical testing. Allele origin: germline.
Comment: This sequence change replaces alanine with proline at codon 93 of the SRP54 protein (p.Ala93Pro). The alanine residue is highly conserved and there is a small physicochemical difference between alanine and proline. This variant is not present in population databases (ExAC no frequency). This variant has not been reported in the literature in individuals affected with SRP54-related conditions. Algorithms developed to predict the effect of missense changes on protein structure and function (SIFT, PolyPhen-2, Align-GVGD) all suggest that this variant is likely to be tolerated. In summary, the available evidence is currently insufficient to determine the role of this variant in disease. Therefore, it has been classified as a Variant of Uncertain Significance.

NM_003136.4(SRP54):c.277G>C (p.Ala93Pro)

Gene: SRP54 (signal recognition particle 54; plus strand). Cytogenetic location: 14q13.2.
Variant type: single nucleotide variant.
Coding change: c.277G>C on transcript NM_003136.4 (MANE Select); coding-DNA position 277, G replaced by C.
Protein change: p.Ala93Pro; replaces alanine 93 with proline.
Molecular consequence: missense variant.
Genome position (GRCh38, 1-based): chr14:35,007,304, G>C. VCF-style: chr14-35007304-G-C. GRCh37 (hg19) VCF-style: chr14-35476510-G-C.
Other names: c.130G>C, p.Ala44Pro (NM_001146282.2); short protein forms A44P, A93P.
Identifiers: ClinVar variation 1521388 (VCV001521388.1), dbSNP rs2138995537, ClinGen allele CA389438761.